The following is an entry in ClinVar:

NM_005477.3(HCN4):c.320G>C (p.Gly107Ala)

Gene: HCN4 (hyperpolarization activated cyclic nucleotide gated potassium channel 4; minus strand). Cytogenetic location: 15q24.1.
Variant type: single nucleotide variant.
Coding change: c.320G>C on transcript NM_005477.3 (MANE Select); coding-DNA position 320, G replaced by C.
Protein change: p.Gly107Ala; replaces glycine 107 with alanine.
Molecular consequence: missense variant.
Genome position (GRCh38, 1-based): chr15:73,367,951, C>G on the plus strand (G>C on the coding strand, the complement: HCN4 is on the minus strand). VCF-style: chr15-73367951-C-G. GRCh37 (hg19) VCF-style: chr15-73660292-C-G.
Other names: short protein forms G107A.
Identifiers: ClinVar variation 1383430 (VCV001383430.6), dbSNP rs2043137014, ClinGen allele CA393098386.

ClinVar aggregate classification (germline): Uncertain significance (1 of 4 stars; one submission).

Conditions:
Brugada syndrome 8 (BRGDA8). Identifiers: Orphanet 130, MedGen C2751083, MONDO:0013148, OMIM 613123.

Submission:

Labcorp Genetics (formerly Invitae), Labcorp
Classification: Uncertain significance for Brugada syndrome 8. Last evaluated: 2025-07-07. Review status: criteria provided, single submitter. Criteria: Invitae Variant Classification Sherloc (09022015). Collection method: clinical testing. Allele origin: germline.
Comment: This sequence change replaces glycine, which is neutral and non-polar, with alanine, which is neutral and non-polar, at codon 107 of the HCN4 protein (p.Gly107Ala). This variant is not present in population databases (gnomAD no frequency). This variant has not been reported in the literature in individuals affected with HCN4-related conditions. ClinVar contains an entry for this variant (Variation ID: 1383430). Invitae Evidence Modeling of protein sequence and biophysical properties (such as structural, functional, and spatial information, amino acid conservation, physicochemical variation, residue mobility, and thermodynamic stability) indicates that this missense variant is not expected to disrupt HCN4 protein function with a negative predictive value of 95%. In summary, the available evidence is currently insufficient to determine the role of this variant in disease. Therefore, it has been classified as a Variant of Uncertain Significance.